The following is an entry in ClinVar:

NM_001040142.2(SCN2A):c.4642A>G (p.Met1548Val)

Gene: SCN2A (sodium voltage-gated channel alpha subunit 2; plus strand). Cytogenetic location: 2q24.3.
Variant type: single nucleotide variant.
Coding change: c.4642A>G on transcript NM_001040142.2 (MANE Select); coding-DNA position 4642, A replaced by G.
Protein change: p.Met1548Val; replaces methionine 1548 with valine.
Molecular consequence: missense variant.
Genome position (GRCh38, 1-based): chr2:165,386,836, A>G. VCF-style: chr2-165386836-A-G. GRCh37 (hg19) VCF-style: chr2-166243346-A-G.
Other names: c.4642A>G, p.Met1548Val (NM_001040143.2, NM_001371246.1, NM_001371247.1 and 1 more transcripts); short protein forms M1548V.
Identifiers: ClinVar variation 2672830 (VCV002672830.23), dbSNP rs2468149587, ClinGen allele CA349036351.

ClinVar aggregate classification (germline): Pathogenic/Likely pathogenic. Review status: criteria provided, multiple submitters, no conflicts (2 of 4 stars). 2 submissions from 2 submitters: Pathogenic (1); Likely pathogenic (1). Last evaluated 2025-07-08.

Conditions:
Developmental and epileptic encephalopathy, 11 (DEE11). Also called: Early infantile epileptic encephalopathy 11. Identifiers: Orphanet 1934, MedGen C3150987, MONDO:0013388, OMIM 613721.

Submissions (2):

3billion
Classification: Likely pathogenic for Developmental and epileptic encephalopathy, 11. Last evaluated: 2025-07-08. Review status: criteria provided, single submitter. Criteria: ACMG Guidelines, 2015. Collection method: clinical testing. Allele origin: germline. Affected: yes.
Comment: The variant is not observed in the gnomAD v4.1.0 dataset. Predicted Consequence/Location: Missense variant In silico tool predictions suggest damaging effect of the variant on gene or gene product [REVEL: 0.93 (>=0.6, sensitivity 0.68 and specificity 0.92); 3Cnet: 1.00 (> 0.75, sensitivity 0.96 and precision 0.92)]. The same nucleotide change resulting in the same amino acid change has been previously reported to be associated with SCN2A-related disorder (ClinVar ID: VCV002672830 /PMID: 28379373). Different missense changes at the same codon (p.Met1548Ile, p.Met1548Thr) have been reported as pathogenic/likely pathogenic with strong evidence (ClinVar ID: VCV000375506, VCV000828183 /PMID: 27864847, 34894057). Therefore, this variant is classified as Likely pathogenic according to the recommendation of ACMG/AMP guideline.

CeGaT Center for Human Genetics Tuebingen
Classification: Pathogenic. Last evaluated: 2023-11-01. Review status: criteria provided, single submitter. Criteria: CeGaT Center For Human Genetics Tuebingen Variant Classification Criteria Version 2. Collection method: clinical testing. Allele origin: germline. Affected: yes. Observed: 1 variant allele.
Comment: SCN2A: PS2, PM2, PM5, PS4:Moderate

Literature cited by the submitters: PubMed 27864847 (cited by 3billion); PubMed 28379373 (cited by 3billion).